The following is an entry in ClinVar:

NM_001164508.2(NEB):c.6175G>A (p.Ala2059Thr)

Gene: NEB (nebulin; minus strand). Cytogenetic location: 2q23.3.
Variant type: single nucleotide variant.
Coding change: c.6175G>A on transcript NM_001164508.2 (MANE Select); coding-DNA position 6175, G replaced by A.
Protein change: p.Ala2059Thr; replaces alanine 2059 with threonine.
Molecular consequence: missense variant.
Genome position (GRCh38, 1-based): chr2:151,657,991, C>T on the plus strand (G>A on the coding strand, the complement: NEB is on the minus strand). VCF-style: chr2-151657991-C-T. GRCh37 (hg19) VCF-style: chr2-152514505-C-T.
Other names: c.6175G>A, p.Ala2059Thr (NM_001164507.2, NM_001271208.2, NM_004543.5); short protein forms A2059T.
Identifiers: ClinVar variation 534007 (VCV000534007.18), dbSNP rs369215974, ClinGen allele CA1910164.
Genomic context (GRCh38, chr2:151,657,991, plus strand): 5'-ATTTCGGTTCCTTAGAAACCCCCAGCCAGGTGACCGTTTCCTTTGGACTTACATCACTTG[C>T]AATATCTCTGGAAGCCTTGGCAGCTTTGATAGGAATTGCATCAGGTCTGAGATCATAGCC-3'
Protein context (NP_001157980.2, residues 2049-2069): IKAAKASRDI[Ala2059Thr]SDYKYKYNYE

ClinVar aggregate classification (germline): Conflicting classifications of pathogenicity. Review status: criteria provided, conflicting classifications (1 of 4 stars). 6 submissions from 6 submitters: Uncertain significance (3); Likely benign (3). Last evaluated 2026-02-02.

Conditions:
Nemaline myopathy 2 (NEM2). Also called: Nemaline myopathy 2, autosomal recessive. Identifiers: MedGen C1850569, MONDO:0009725, OMIM 256030.
NEB-related disorder. Also called: NEB-Related Disorders; NEB-related condition.

Allele frequency attached by ClinVar (database versions not stated): ExAC 0.00007; ESP Exome Variant Server 0.00008; gnomAD exomes 0.00009 and 0.00011; gnomAD 0.00011 and 0.00012; TOPMed 0.00013; 1000 Genomes Project 30x 0.00016; 1000 Genomes Project 0.00020.
gnomAD v4.1: 175 of 1,603,152 alleles (0.011%); highest among the groups gnomAD compares: Admixed American, 0.017%; 1 homozygote.

Submissions (6):

PreventionGenetics, part of Exact Sciences
Classification: Uncertain significance for NEB-related condition. Last evaluated: 2026-02-02. Review status: criteria provided, single submitter. Criteria: ACMG Guidelines, 2015. Collection method: clinical testing. Allele origin: germline.
Comment: The NEB c.6175G>A variant is predicted to result in the amino acid substitution p.Ala2059Thr. To our knowledge, this variant has not been reported in the literature. This variant is reported in 0.017% of alleles in individuals of European (non-Finnish) descent in gnomAD. At this time, the clinical significance of this variant is uncertain due to the absence of conclusive functional and genetic evidence.

Labcorp Genetics (formerly Invitae), Labcorp
Classification: Likely benign for Nemaline myopathy 2. Last evaluated: 2026-01-22. Review status: criteria provided, single submitter. Criteria: Invitae Variant Classification Sherloc (09022015). Collection method: clinical testing. Allele origin: germline.

Blueprint Genetics
Classification: Uncertain significance. Last evaluated: 2024-07-10. Review status: criteria provided, single submitter. Criteria: ACMG Guidelines, 2015. Collection method: clinical testing. Allele origin: germline.

Revvity Omics, Revvity
Classification: Uncertain significance. Last evaluated: 2022-01-22. Review status: criteria provided, single submitter. Criteria: ACMG Guidelines, 2015. Collection method: clinical testing. Allele origin: germline.

GeneDx
Classification: Likely benign. Last evaluated: 2020-12-30. Review status: criteria provided, single submitter. Criteria: GeneDx Variant Classification Process June 2021. Collection method: clinical testing. Allele origin: germline. Affected: yes.

Laboratorio de Genetica e Diagnostico Molecular, Hospital Israelita Albert Einstein
Classification: Likely benign. Last evaluated: 2019-12-16. Review status: criteria provided, single submitter. Criteria: ACMG Guidelines, 2015. Collection method: clinical testing. Allele origin: germline. Affected: yes.
Comment: ACMG classification criteria: PM2, BP1, BP4